The following is an entry in ClinVar:

ClinVar aggregate classification (germline): Uncertain significance. Review status: criteria provided, multiple submitters, no conflicts (2 of 4 stars). 5 submissions from 5 submitters: Uncertain significance (5). Last evaluated 2026-05-01.

Conditions:
Glycogen storage disease IXb (GSD9B). Also called: GLYCOGENOSIS OF LIVER AND MUSCLE, AUTOSOMAL RECESSIVE; GSD IXb; PHOSPHORYLASE KINASE DEFICIENCY OF LIVER AND MUSCLE, AUTOSOMAL RECESSIVE. Identifiers: Orphanet 79240, MedGen C0543514, MONDO:0009868, OMIM 261750.
PHKB-related disorder. Also called: PHKB-related condition.

Allele frequency attached by ClinVar (database versions not stated): gnomAD 0.00022 and 0.00023; TOPMed 0.00024; ESP Exome Variant Server 0.00054.
gnomAD v4.1: 348 of 1,613,910 alleles (0.022%); highest among the groups gnomAD compares: Non-Finnish European, 0.027%; no homozygotes.

Submissions (5):

PreventionGenetics, part of Exact Sciences
Classification: Uncertain significance for PHKB-related condition. Last evaluated: 2026-05-01. Review status: criteria provided, single submitter. Criteria: ACMG Guidelines, 2015. Collection method: clinical testing. Allele origin: germline.
Comment: The PHKB c.2572C>G variant is predicted to result in the amino acid substitution p.Pro858Ala. To our knowledge, this variant has not been reported in the literature. This variant is reported in 0.036% of alleles in individuals of European (Non-Finnish) descent in gnomAD. At this time, the clinical significance of this variant is uncertain due to the absence of conclusive functional and genetic evidence.

Blueprint Genetics
Classification: Uncertain significance. Last evaluated: 2024-10-17. Review status: criteria provided, single submitter. Criteria: ACMG Guidelines, 2015. Collection method: clinical testing. Allele origin: germline.

Mayo Clinic Laboratories, Mayo Clinic
Classification: Uncertain significance. Last evaluated: 2023-04-25. Review status: criteria provided, single submitter. Criteria: ACMG Guidelines, 2015. Collection method: clinical testing. Allele origin: germline. Observed: 1 variant allele.
Comment: PP3

Labcorp Genetics (formerly Invitae), Labcorp
Classification: Uncertain significance for Glycogen storage disease IXb. Last evaluated: 2022-05-29. Review status: criteria provided, single submitter. Criteria: Invitae Variant Classification Sherloc (09022015). Collection method: clinical testing. Allele origin: germline.
Comment: This sequence change replaces proline, which is neutral and non-polar, with alanine, which is neutral and non-polar, at codon 865 of the PHKB protein (p.Pro865Ala). This variant is present in population databases (rs142281844, gnomAD 0.04%). This variant has not been reported in the literature in individuals affected with PHKB-related conditions. ClinVar contains an entry for this variant (Variation ID: 967935). Algorithms developed to predict the effect of missense changes on protein structure and function (SIFT, PolyPhen-2, Align-GVGD) all suggest that this variant is likely to be disruptive. In summary, the available evidence is currently insufficient to determine the role of this variant in disease. Therefore, it has been classified as a Variant of Uncertain Significance.

GeneDx
Classification: Uncertain significance. Last evaluated: 2019-06-21. Review status: criteria provided, single submitter. Criteria: GeneDx Variant Classification Process June 2021. Collection method: clinical testing. Allele origin: germline. Affected: yes.
Comment: In silico analysis, which includes protein predictors and evolutionary conservation, supports a deleterious effect; Has not been previously published as pathogenic or benign to our knowledge

NM_000293.3(PHKB):c.2593C>G (p.Pro865Ala)

Gene: PHKB (phosphorylase kinase regulatory subunit beta; plus strand). Cytogenetic location: 16q12.1.
Variant type: single nucleotide variant.
Coding change: c.2593C>G on transcript NM_000293.3 (MANE Select); coding-DNA position 2593, C replaced by G.
Protein change: p.Pro865Ala; replaces proline 865 with alanine.
Molecular consequence: missense variant.
Genome position (GRCh38, 1-based): chr16:47,669,380, C>G. VCF-style: chr16-47669380-C-G. GRCh37 (hg19) VCF-style: chr16-47703291-C-G.
Other names: p.Pro865Ala; c.2572C>G, p.Pro858Ala (NM_001031835.3); c.2593C>G, p.Pro865Ala (NM_001363837.1); c.2572C>G (NM_001031835.2); short protein forms P865A, P858A.
Identifiers: ClinVar variation 967935 (VCV000967935.9), dbSNP rs142281844, ClinGen allele CA8041278.
Genomic context (GRCh38, chr16:47,669,380, plus strand): 5'-AGGGAAGCGGTCATTCAGCAAGAACTGGTCATCCATATTGGCTGGATCATCTCCAATAAC[C>G]CTGAGTTATTCAGTGGCATGCTGAAAATACGAATCGGGTGAGTGAAGTCCTTTGCATTTG-3'
Protein context (NP_000284.1, residues 855-875): IHIGWIISNN[Pro865Ala]ELFSGMLKIR